The following is an entry in ClinVar:

ClinVar aggregate classification (germline): Uncertain significance (1 of 4 stars; one submission).

gnomAD v4.1: 1 of 1,614,110 alleles (0.000062%); highest among the groups gnomAD compares: Non-Finnish European, 0.000085%; no homozygotes.

Submission:

Labcorp Genetics (formerly Invitae), Labcorp
Classification: Uncertain significance. Last evaluated: 2022-04-29. Review status: criteria provided, single submitter. Criteria: Invitae Variant Classification Sherloc (09022015). Collection method: clinical testing. Allele origin: germline.
Comment: This sequence change replaces alanine, which is neutral and non-polar, with glycine, which is neutral and non-polar, at codon 3167 of the VPS13D protein (p.Ala3167Gly). In summary, the available evidence is currently insufficient to determine the role of this variant in disease. Therefore, it has been classified as a Variant of Uncertain Significance. Algorithms developed to predict the effect of missense changes on protein structure and function are either unavailable or do not agree on the potential impact of this missense change (SIFT: "Not Available"; PolyPhen-2: "Possibly Damaging"; Align-GVGD: "Not Available"). This variant has not been reported in the literature in individuals affected with VPS13D-related conditions. This variant is present in population databases (no rsID available, gnomAD 0.0009%).

NM_015378.4(VPS13D):c.9500C>G (p.Ala3167Gly)

Gene: VPS13D (vacuolar protein sorting 13 homolog D; plus strand). Cytogenetic location: 1p36.22.
Variant type: single nucleotide variant.
Coding change: c.9500C>G on transcript NM_015378.4 (MANE Select); coding-DNA position 9500, C replaced by G.
Protein change: p.Ala3167Gly; replaces alanine 3167 with glycine.
Molecular consequence: missense variant.
Genome position (GRCh38, 1-based): chr1:12,354,042, C>G. VCF-style: chr1-12354042-C-G. GRCh37 (hg19) VCF-style: chr1-12414099-C-G.
Other names: c.9425C>G, p.Ala3142Gly (NM_018156.4); short protein forms A3142G, A3167G.
Identifiers: ClinVar variation 2070488 (VCV002070488.4), dbSNP rs1243123712, ClinGen allele CA338494328.